The following is an entry in ClinVar:

ClinVar aggregate classification (germline): Uncertain significance. Review status: criteria provided, multiple submitters, no conflicts (2 of 4 stars). 4 submissions from 4 submitters: Uncertain significance (4). Last evaluated 2024-05-06.

Conditions:
Hereditary cancer-predisposing syndrome. Also called: Hereditary neoplastic syndrome; Hereditary Cancer Syndrome; Neoplastic Syndromes, Hereditary; Tumor predisposition. Identifiers: Orphanet 140162, MedGen C0027672, MeSH D009386, MONDO:0015356.
Familial adenomatous polyposis 2. Also called: MYH-associated polyposis; COLORECTAL ADENOMATOUS POLYPOSIS, AUTOSOMAL RECESSIVE; ADENOMAS, MULTIPLE COLORECTAL, AUTOSOMAL RECESSIVE; MUTYH-related attenuated familial adenomatous polyposis; Adenomas, multiple colorectal; FAP type 2. Identifiers: Orphanet 220460, Orphanet 247798, MedGen C3272841, MONDO:0012041, OMIM 608456.

Submissions (4):

Ambry Genetics
Classification: Uncertain significance for Hereditary cancer-predisposing syndrome. Last evaluated: 2024-05-06. Review status: criteria provided, single submitter. Criteria: Ambry Variant Classification Scheme 2023. Collection method: clinical testing. Allele origin: germline.
Comment: The c.563A>T variant (also known as p.E188V), located in coding exon 7 of the MUTYH gene, results from an A to T substitution at nucleotide position 563. The glutamic acid at codon 188 is replaced by valine, an amino acid with dissimilar properties. This nucleotide position is highly conserved in available vertebrate species. In silico splice site analysis predicts that this alteration will result in the creation or strengthening of a novel splice donor site. RNA studies have demonstrated that this alteration results in a transcript predicted to lead to a protein with an in-frame deletion of 5 amino acids; however, the exact functional impact of the deleted amino acid(s) is unknown at this time (Ambry internal data). Since supporting evidence is limited at this time, the clinical significance of this alteration remains unclear.

Color Diagnostics, LLC DBA Color Health
Classification: Uncertain significance for Hereditary cancer-predisposing syndrome. Last evaluated: 2024-03-06. Review status: criteria provided, single submitter. Criteria: ACMG Guidelines, 2015. Collection method: clinical testing. Allele origin: germline.
Comment: This missense variant replaces glutamic acid with valine at codon 188 of the MUTYH protein. Computational prediction is inconclusive regarding the impact of this variant on protein structure and function (internally defined REVEL score threshold 0.5 < inconclusive < 0.7, PMID: 27666373). To our knowledge, functional studies have not been reported for this variant. This variant has not been reported in individuals affected with MUTYH-related disorders in the literature. This variant has not been identified in the general population by the Genome Aggregation Database (gnomAD). The available evidence is insufficient to determine the role of this variant in disease conclusively. Therefore, this variant is classified as a Variant of Uncertain Significance.

Labcorp Genetics (formerly Invitae), Labcorp
Classification: Uncertain significance for Familial adenomatous polyposis 2. Last evaluated: 2023-11-02. Review status: criteria provided, single submitter. Criteria: Invitae Variant Classification Sherloc (09022015). Collection method: clinical testing. Allele origin: germline.
Comment: This sequence change replaces glutamic acid, which is acidic and polar, with valine, which is neutral and non-polar, at codon 188 of the MUTYH protein (p.Glu188Val). This variant is not present in population databases (gnomAD no frequency). This variant has not been reported in the literature in individuals affected with MUTYH-related conditions. ClinVar contains an entry for this variant (Variation ID: 490038). An algorithm developed to predict the effect of missense changes on protein structure and function (PolyPhen-2) suggests that this variant is likely to be disruptive. Studies have shown that this missense change is associated with inconclusive levels of altered splicing (Invitae). In summary, the available evidence is currently insufficient to determine the role of this variant in disease. Therefore, it has been classified as a Variant of Uncertain Significance.

All of Us Research Program, National Institutes of Health
Classification: Uncertain significance for Familial adenomatous polyposis 2. Last evaluated: 2023-05-04. Review status: criteria provided, single submitter. Criteria: ACMG Guidelines, 2015. Collection method: clinical testing. Allele origin: germline. Inheritance: Autosomal recessive inheritance. Observed: 2 variant alleles, 2 heterozygotes.
Comment: This missense variant replaces glutamic acid with valine at codon 188 of the MUTYH protein. Computational prediction is inconclusive regarding the impact of this variant on protein structure and function (internally defined REVEL score threshold 0.5 < inconclusive < 0.7, PMID: 27666373). To our knowledge, functional studies have not been reported for this variant. This variant has not been reported in individuals affected with MUTYH-related disorders in the literature. This variant has not been identified in the general population by the Genome Aggregation Database (gnomAD). The available evidence is insufficient to determine the role of this variant in disease conclusively. Therefore, this variant is classified as a Variant of Uncertain Significance.

This study involves interpretation of variants in research participants for the purpose of population health screening. Participant phenotype was not available at the time of variant classification. Additional details can be found in publication PMID: 35346344, PMCID: PMC8962531

NM_001048174.2(MUTYH):c.479A>T (p.Glu160Val)

Gene: MUTYH (mutY DNA glycosylase; minus strand). Cytogenetic location: 1p34.1.
Variant type: single nucleotide variant.
Coding change: c.479A>T on transcript NM_001048174.2 (MANE Select); coding-DNA position 479, A replaced by T.
Protein change: p.Glu160Val; replaces glutamic acid 160 with valine.
Molecular consequence: missense variant. On other transcripts: non-coding transcript variant (2).
Genome position (GRCh38, 1-based): chr1:45,332,776, T>A on the plus strand (A>T on the coding strand, the complement: MUTYH is on the minus strand). VCF-style: chr1-45332776-T-A. GRCh37 (hg19) VCF-style: chr1-45798448-T-A.
Other names: c.479A>T, p.Glu160Val (NM_001048171.2, NM_001048173.2, NM_001293195.2); c.482A>T, p.Glu161Val (NM_001048172.2); c.563A>T, p.Glu188Val (NM_001128425.2); c.524A>T, p.Glu175Val (NM_001293190.2); c.512A>T, p.Glu171Val (NM_001293191.2); c.203A>T, p.Glu68Val (NM_001293192.2, NM_001293196.2); c.134A>T, p.Glu45Val (NM_001350650.2, NM_001350651.2); c.554A>T, p.Glu185Val (NM_012222.3); short protein forms E188V, E161V, E175V, E185V, E45V, E68V, E171V, E160V.
Identifiers: ClinVar variation 490038 (VCV000490038.18), dbSNP rs1553128788, ClinGen allele CA340135580.